The following is an entry in ClinVar:

NM_001257291.2(SLC9A7):c.947A>T (p.Asp316Val)

Gene: SLC9A7 (solute carrier family 9 member A7; minus strand). Cytogenetic location: Xp11.3.
Variant type: single nucleotide variant.
Coding change: c.947A>T on transcript NM_001257291.2 (MANE Select); coding-DNA position 947, A replaced by T.
Protein change: p.Asp316Val; replaces aspartic acid 316 with valine.
Molecular consequence: missense variant.
Genome position (GRCh38, 1-based): chrX:46,662,110, T>A on the plus strand (A>T on the coding strand, the complement: SLC9A7 is on the minus strand). VCF-style: chrX-46662110-T-A. GRCh37 (hg19) VCF-style: chrX-46521545-T-A.
Other names: c.947A>T, p.Asp316Val (NM_032591.3); short protein forms D316V.
Identifiers: ClinVar variation 944810 (VCV000944810.10), dbSNP rs764103078, ClinGen allele CA413036704.

ClinVar aggregate classification (germline): Uncertain significance. Review status: criteria provided, multiple submitters, no conflicts (2 of 4 stars). 2 submissions from 2 submitters: Uncertain significance (2). Last evaluated 2022-04-19.

Conditions:
Intellectual developmental disorder, X-linked 108. Also called: MENTAL RETARDATION, X-LINKED 108. Identifiers: MedGen C5193009, MONDO:0026723, OMIM 301024.

Allele frequency attached by ClinVar (database versions not stated): TOPMed 0.00001.
gnomAD v4.1: 3 of 1,208,200 alleles (0.00025%); highest among the groups gnomAD compares: Non-Finnish European, 0.00034%; no homozygotes.

Submissions (2):

Labcorp Genetics (formerly Invitae), Labcorp
Classification: Uncertain significance. Last evaluated: 2022-04-19. Review status: criteria provided, single submitter. Criteria: Invitae Variant Classification Sherloc (09022015). Collection method: clinical testing. Allele origin: germline.
Comment: This sequence change replaces aspartic acid, which is acidic and polar, with valine, which is neutral and non-polar, at codon 316 of the SLC9A7 protein (p.Asp316Val). This variant is not present in population databases (gnomAD no frequency). This variant has not been reported in the literature in individuals affected with SLC9A7-related conditions. ClinVar contains an entry for this variant (Variation ID: 944810). Algorithms developed to predict the effect of missense changes on protein structure and function are either unavailable or do not agree on the potential impact of this missense change (SIFT: "Deleterious"; PolyPhen-2: "Not Available"; Align-GVGD: "Class C0"). In summary, the available evidence is currently insufficient to determine the role of this variant in disease. Therefore, it has been classified as a Variant of Uncertain Significance.

New York Genome Center
Classification: Uncertain significance for Intellectual developmental disorder, X-linked 108. Last evaluated: 2021-03-21. Review status: criteria provided, single submitter. Criteria: NYGC Assertion Criteria 2020. Collection method: clinical testing. Allele origin: inherited. Observed: 1 hemizygote. Study: CSER-NYCKidSeq.
Comment: This variant is found with low frequency in gnomAD(v3.1) (1 heterozygote, 0 homozygotes, 0 hemizygotes; allele frequency: 8.95e-6) suggestingit is not a common benign variant in the populations represented in that database. In silico algorithms predict this variant to be Damaging (SIFT; score:0.042) and Benign (REVEL; score: 0.503) to the function of the canonical transcript. This variant is absent from ClinVar and to our current knowledge has not been reported in affected individuals in the literature. The p.Asp316 residue is within one of the luminal domains of SLC9A7 (UniProtKB: Q96T83). Given the lack of compelling evidence for its pathogenicity, the hemizygous, inherited c.947A>T (p.Asp316Val) variant identified in the SLC9A7 gene is reported as a Variant of Uncertain Significance.